The following is an entry in ClinVar:

ClinVar aggregate classification (germline): Uncertain significance (1 of 4 stars; one submission).

Conditions:
Cenani-Lenz syndactyly syndrome. Also called: CENANI SYNDACTYLISM; SYNDACTYLY, TYPE VII. Identifiers: Orphanet 3258, MedGen C1859309, MONDO:0008931, OMIM 212780.
Congenital myasthenic syndrome 17. Identifiers: Orphanet 590, MedGen C4225377, MONDO:0014578, OMIM 616304.
Sclerosteosis 2 (SOST2). Identifiers: Orphanet 3152, MedGen C3280402, MONDO:0013679, OMIM 614305.

Submission:

Labcorp Genetics (formerly Invitae), Labcorp
Classification: Uncertain significance for Cenani-Lenz syndactyly syndrome; Sclerosteosis 2; Congenital myasthenic syndrome 17. Last evaluated: 2022-02-09. Review status: criteria provided, single submitter. Criteria: Invitae Variant Classification Sherloc (09022015). Collection method: clinical testing. Allele origin: germline.
Comment: This sequence change replaces alanine, which is neutral and non-polar, with glycine, which is neutral and non-polar, at codon 296 of the LRP4 protein (p.Ala296Gly). This variant is not present in population databases (gnomAD no frequency). This variant has not been reported in the literature in individuals affected with LRP4-related conditions. ClinVar contains an entry for this variant (Variation ID: 1011723). Algorithms developed to predict the effect of missense changes on protein structure and function are either unavailable or do not agree on the potential impact of this missense change (SIFT: "Deleterious"; PolyPhen-2: "Benign"; Align-GVGD: "Class C0"). In summary, the available evidence is currently insufficient to determine the role of this variant in disease. Therefore, it has been classified as a Variant of Uncertain Significance.

NM_002334.4(LRP4):c.887C>G (p.Ala296Gly)

Gene: LRP4 (LDL receptor related protein 4; minus strand). Cytogenetic location: 11p11.2.
Variant type: single nucleotide variant.
Coding change: c.887C>G on transcript NM_002334.4 (MANE Select); coding-DNA position 887, C replaced by G.
Protein change: p.Ala296Gly; replaces alanine 296 with glycine.
Molecular consequence: missense variant.
Genome position (GRCh38, 1-based): chr11:46,896,904, G>C on the plus strand (C>G on the coding strand, the complement: LRP4 is on the minus strand). VCF-style: chr11-46896904-G-C. GRCh37 (hg19) VCF-style: chr11-46918455-G-C.
Other names: short protein forms A296G.
Identifiers: ClinVar variation 1011723 (VCV001011723.6), dbSNP rs1941543958, ClinGen allele CA380287881.